The following is an entry in ClinVar:

NM_004817.4(TJP2):c.35G>A (p.Arg12Gln)

Gene: TJP2 (tight junction protein 2; plus strand). Cytogenetic location: 9q21.11.
Variant type: single nucleotide variant.
Coding change: c.35G>A on transcript NM_004817.4 (MANE Select); coding-DNA position 35, G replaced by A.
Protein change: p.Arg12Gln; replaces arginine 12 with glutamine.
Molecular consequence: missense variant. On other transcripts: intron variant (3).
Genome position (GRCh38, 1-based): chr9:69,174,407, G>A. VCF-style: chr9-69174407-G-A. GRCh37 (hg19) VCF-style: chr9-71789323-G-A.
Other names: c.35G>A, p.Arg12Gln (NM_001369872.1, NM_001369873.1, NM_201629.3); c.-10+22636G>A (NM_001170414.2, NM_001369870.1); c.-127-10680G>A (NM_001369871.1); short protein forms R12Q.
Identifiers: ClinVar variation 4728422 (VCV004728422.1).

ClinVar aggregate classification (germline): Uncertain significance (1 of 4 stars; one submission).

Submission:

Labcorp Genetics (formerly Invitae), Labcorp
Classification: Uncertain significance. Last evaluated: 2025-10-06. Review status: criteria provided, single submitter. Criteria: Invitae Variant Classification Sherloc (09022015). Collection method: clinical testing. Allele origin: germline.
Comment: This sequence change replaces arginine, which is basic and polar, with glutamine, which is neutral and polar, at codon 12 of the TJP2 protein (p.Arg12Gln). This variant is not present in population databases (gnomAD no frequency). This variant has not been reported in the literature in individuals affected with TJP2-related conditions. An algorithm developed to predict the effect of missense changes on protein structure and function (PolyPhen-2) suggests that this variant is likely to be tolerated. In summary, the available evidence is currently insufficient to determine the role of this variant in disease. Therefore, it has been classified as a Variant of Uncertain Significance.